The following is an entry in ClinVar:

ClinVar aggregate classification (germline): Conflicting classifications of pathogenicity. Review status: criteria provided, conflicting classifications (1 of 4 stars). 3 submissions from 3 submitters: Uncertain significance (1); Likely benign (2). Last evaluated 2024-10-02.

Allele frequency attached by ClinVar (database versions not stated): gnomAD exomes 0.00002 and 0.00004; TOPMed 0.00002; gnomAD 0.00004 and 0.00005; ExAC 0.00006; ESP Exome Variant Server 0.00008.
gnomAD v4.1: 37 of 1,613,692 alleles (0.0023%); highest among the groups gnomAD compares: Non-Finnish European, 0.0029%; no homozygotes.

Submissions (3):

Blueprint Genetics
Classification: Likely benign. Last evaluated: 2024-10-02. Review status: criteria provided, single submitter. Criteria: ACMG Guidelines, 2015. Collection method: clinical testing. Allele origin: germline.

CeGaT Center for Human Genetics Tuebingen
Classification: Uncertain significance. Last evaluated: 2023-02-01. Review status: criteria provided, single submitter. Criteria: CeGaT Center For Human Genetics Tuebingen Variant Classification Criteria Version 2. Collection method: clinical testing. Allele origin: germline. Affected: yes. Observed: 2 variant alleles.
Comment: TTN: PM2, BP4

Laboratory for Molecular Medicine, Mass General Brigham Personalized Medicine
Classification: Likely benign. Last evaluated: 2014-07-10. Review status: criteria provided, single submitter. Criteria: LMM Criteria. Collection method: clinical testing. Allele origin: germline. Observed: 1 variant allele.
Comment: Phe3517Ser in exon 44B of TTN: This variant is not expected to have clinical sig nificance due to a lack of conservation across species, including mammals. Of no te, >30 mammals have a serine (Ser) at this position despite high nearby amino a cid conservation. In addition, computational prediction tools do not suggest a h igh likelihood of impact to the protein. It has also been identified in 1/8226 European American chromosomes by the NHLBI Exome Sequencing Project (.; dbSNP rs377296133).

NM_001267550.2(TTN):c.11063T>C (p.Phe3688Ser)

Gene: TTN (titin; minus strand). Cytogenetic location: 2q31.2.
Variant type: single nucleotide variant.
Coding change: c.11063T>C on transcript NM_001267550.2 (MANE Select); coding-DNA position 11063, T replaced by C.
Protein change: p.Phe3688Ser; replaces phenylalanine 3688 with serine.
Molecular consequence: missense variant. On other transcripts: intron variant (5).
Genome position (GRCh38, 1-based): chr2:178,756,413, A>G on the plus strand (T>C on the coding strand, the complement: TTN is on the minus strand). VCF-style: chr2-178756413-A-G. GRCh37 (hg19) VCF-style: chr2-179621140-A-G.
Other names: c.10550T>C, p.Phe3517Ser (NM_133437.4); c.10165+2571T>C (NM_003319.4); c.10540+1129T>C (NM_133432.3); c.10303+2571T>C (NM_133378.4, NM_001256850.1, NM_133379.5); short protein forms F3517S, F3688S.
Identifiers: ClinVar variation 178265 (VCV000178265.39), dbSNP rs377296133, ClinGen allele CA181960.